The following is an entry in ClinVar:

NM_178012.5(TUBB2B):c.966C>T (p.Ser322=)

Gene: TUBB2B (tubulin beta 2B class IIb; minus strand). Cytogenetic location: 6p25.2.
Variant type: single nucleotide variant.
Coding change: c.966C>T on transcript NM_178012.5 (MANE Select); coding-DNA position 966, C replaced by T.
Protein change: p.Ser322=; no amino-acid change (serine 322 retained).
Molecular consequence: synonymous variant.
Genome position (GRCh38, 1-based): chr6:3,225,123, G>A on the plus strand (C>T on the coding strand, the complement: TUBB2B is on the minus strand). VCF-style: chr6-3225123-G-A. GRCh37 (hg19) VCF-style: chr6-3225357-G-A.
Identifiers: ClinVar variation 681384 (VCV000681384.1), dbSNP rs1581525748, ClinGen allele CA448707319.

ClinVar aggregate classification (germline): Likely benign (1 of 4 stars; one submission).

Submission:

GeneDx
Classification: Likely benign. Last evaluated: 2018-03-21. Review status: criteria provided, single submitter. Criteria: GeneDx Variant Classification (06012015). Collection method: clinical testing. Allele origin: germline. Affected: yes.
Comment: This variant is considered likely benign or benign based on one or more of the following criteria: it is a conservative change, it occurs at a poorly conserved position in the protein, it is predicted to be benign by multiple in silico algorithms, and/or has population frequency not consistent with disease.